The following is an entry in ClinVar:

NM_000089.4(COL1A2):c.3287G>A (p.Gly1096Asp)

Gene: COL1A2 (collagen type I alpha 2 chain; plus strand). Cytogenetic location: 7q21.3.
Variant type: single nucleotide variant.
Coding change: c.3287G>A on transcript NM_000089.4 (MANE Select); coding-DNA position 3287, G replaced by A.
Protein change: p.Gly1096Asp; replaces glycine 1096 with aspartic acid.
Molecular consequence: missense variant.
Genome position (GRCh38, 1-based): chr7:94,427,646, G>A. VCF-style: chr7-94427646-G-A. GRCh37 (hg19) VCF-style: chr7-94056958-G-A.
Other names: short protein forms G1096D.
Identifiers: ClinVar variation 2037661 (VCV002037661.4), dbSNP rs72659337, ClinGen allele CA368225656.

ClinVar aggregate classification (germline): Pathogenic (1 of 4 stars; one submission).

Conditions:
Ehlers-Danlos syndrome, classic type, 1 (EDSCL1). Also called: EHLERS-DANLOS SYNDROME, GRAVIS TYPE; EHLERS-DANLOS SYNDROME, SEVERE CLASSIC TYPE; Ehlers-Danlos syndrome, type 1; EDS I; Ehlers-Danlos Syndrome, Classic Type, COL5A1-Related. Identifiers: MedGen C0268335, MONDO:0019567, OMIM 130000.
Osteogenesis imperfecta type I (OI1). Also called: OI, TYPE I; OSTEOGENESIS IMPERFECTA TARDA; OSTEOGENESIS IMPERFECTA WITH BLUE SCLERAE; Osteogenesis imperfecta type 1; Lobstein's Disease; Lobstein disease. Identifiers: Orphanet 216796, Orphanet 666, MedGen C0023931, MONDO:0008146, OMIM 166200. Disease mechanism: loss of function.

Submission:

Labcorp Genetics (formerly Invitae), Labcorp
Classification: Pathogenic for Osteogenesis imperfecta type I; Ehlers-Danlos syndrome, classic type, 1. Last evaluated: 2021-12-10. Review status: criteria provided, single submitter. Criteria: Invitae Variant Classification Sherloc (09022015). Collection method: clinical testing. Allele origin: germline.
Comment: For these reasons, this variant has been classified as Pathogenic. This variant disrupts the triple helix domain of COL1A2. Glycine residues within the Gly-Xaa-Yaa repeats of the triple helix domain are required for the structure and stability of fibrillar collagens (PMID: 7695699, 8218237, 19344236). In COL1A2, variants affecting these glycine residues are significantly enriched in individuals with disease (PMID: 9016532, 17078022) compared to the general population (ExAC). Advanced modeling of protein sequence and biophysical properties (such as structural, functional, and spatial information, amino acid conservation, physicochemical variation, residue mobility, and thermodynamic stability) performed at Invitae indicates that this missense variant is expected to disrupt COL1A2 protein function. This missense change has been observed in individual(s) with osteogenesis imperfecta (Invitae). This variant is not present in population databases (gnomAD no frequency). This sequence change replaces glycine, which is neutral and non-polar, with aspartic acid, which is acidic and polar, at codon 1096 of the COL1A2 protein (p.Gly1096Asp).

Literature cited by the submitters: PubMed 7695699; PubMed 8218237; PubMed 19344236; PubMed 9016532; PubMed 17078022.